The following is an entry in ClinVar:

NM_001365999.1(SZT2):c.4362C>T (p.Pro1454=)

Gene: SZT2 (SZT2 subunit of KICSTOR complex; plus strand). Cytogenetic location: 1p34.2.
Variant type: single nucleotide variant.
Coding change: c.4362C>T on transcript NM_001365999.1 (MANE Select); coding-DNA position 4362, C replaced by T.
Protein change: p.Pro1454=; no amino-acid change (proline 1454 retained).
Molecular consequence: synonymous variant.
Genome position (GRCh38, 1-based): chr1:43,430,064, C>T. VCF-style: chr1-43430064-C-T. GRCh37 (hg19) VCF-style: chr1-43895735-C-T.
Other names: c.4191C>T, p.Pro1397= (NM_015284.4).
Identifiers: ClinVar variation 2638753 (VCV002638753.27), dbSNP rs780067380, ClinGen allele CA809259.
Genomic context (GRCh38, chr1:43,430,064, plus strand): 5'-ACAACAGGAGAAGTTCCTAGAGATCAGTCGTCTCCACTTCCGCACAGTGCCTTCCAATCC[C>T]CACTACTTCTTCTATTGCCCTCCATCCAGCAGGCGAGAAGTGAGTGGCTCTCTTCCTTAC-3'
Protein context (NP_001352928.1, residues 1444-1464): RLHFRTVPSN[Pro1454=]HYFFYCPPSS

ClinVar aggregate classification (germline): Likely benign. Review status: criteria provided, multiple submitters, no conflicts (2 of 4 stars). 2 submissions from 2 submitters: Likely benign (2). Last evaluated 2025-07-28.

Allele frequency attached by ClinVar (database versions not stated): TOPMed below 0.00001; ExAC 0.00001; gnomAD 0.00001; gnomAD exomes 0.00001.
gnomAD v4.1: 19 of 1,614,064 alleles (0.0012%); highest among the groups gnomAD compares: Middle Eastern, 0.016%; no homozygotes.

Submissions (2):

Labcorp Genetics (formerly Invitae), Labcorp
Classification: Likely benign. Last evaluated: 2025-07-28. Review status: criteria provided, single submitter. Criteria: Invitae Variant Classification Sherloc (09022015). Collection method: clinical testing. Allele origin: germline.

CeGaT Center for Human Genetics Tuebingen
Classification: Likely benign. Last evaluated: 2022-10-01. Review status: criteria provided, single submitter. Criteria: CeGaT Center For Human Genetics Tuebingen Variant Classification Criteria Version 2. Collection method: clinical testing. Allele origin: germline. Affected: yes. Observed: 1 variant allele.
Comment: SZT2: BP4, BP7